The following is an entry in ClinVar:

NM_024577.4(SH3TC2):c.3833C>T (p.Ala1278Val)

Gene: SH3TC2 (SH3 domain and tetratricopeptide repeats 2; minus strand). Cytogenetic location: 5q32.
Variant type: single nucleotide variant.
Coding change: c.3833C>T on transcript NM_024577.4 (MANE Select); coding-DNA position 3833, C replaced by T.
Protein change: p.Ala1278Val; replaces alanine 1278 with valine.
Molecular consequence: missense variant.
Genome position (GRCh38, 1-based): chr5:149,004,745, G>A on the plus strand (C>T on the coding strand, the complement: SH3TC2 is on the minus strand). VCF-style: chr5-149004745-G-A. GRCh37 (hg19) VCF-style: chr5-148384308-G-A.
Other names: short protein forms A1278V.
Identifiers: ClinVar variation 543403 (VCV000543403.7), dbSNP rs374516818, ClinGen allele CA3498617.

ClinVar aggregate classification (germline): Conflicting classifications of pathogenicity. Review status: criteria provided, conflicting classifications (1 of 4 stars). 2 submissions from 2 submitters: Uncertain significance (1); Likely benign (1). Last evaluated 2025-05-27.

Conditions:
Charcot-Marie-Tooth disease type 4. Also called: Charcot-Marie-Tooth, Type 4; Charcot-Marie-Tooth disease, type IV. Identifiers: Orphanet 64749, MedGen C4082197, MONDO:0018995.

Allele frequency attached by ClinVar (database versions not stated): gnomAD 0.00002; ESP Exome Variant Server 0.00008; gnomAD exomes 0.00004 and 0.00005; ExAC 0.00003; TOPMed 0.00007.
gnomAD v4.1: 70 of 1,613,680 alleles (0.0043%); highest among the groups gnomAD compares: Middle Eastern, 0.034%; no homozygotes.

Submissions (2):

GeneDx
Classification: Uncertain significance. Last evaluated: 2025-05-27. Review status: criteria provided, single submitter. Criteria: GeneDx Variant Classification Process June 2021. Collection method: clinical testing. Allele origin: germline. Affected: yes.
Comment: In silico analysis supports that this missense variant has a deleterious effect on protein structure/function; Has not been previously published as pathogenic or benign to our knowledge

Labcorp Genetics (formerly Invitae), Labcorp
Classification: Likely benign for Charcot-Marie-Tooth disease type 4. Last evaluated: 2024-12-19. Review status: criteria provided, single submitter. Criteria: Invitae Variant Classification Sherloc (09022015). Collection method: clinical testing. Allele origin: germline.